The following is an entry in ClinVar:

NM_001543.5(NDST1):c.388C>T (p.Arg130Cys)

Gene: NDST1 (N-deacetylase and N-sulfotransferase 1; plus strand). Cytogenetic location: 5q33.1.
Variant type: single nucleotide variant.
Coding change: c.388C>T on transcript NM_001543.5 (MANE Select); coding-DNA position 388, C replaced by T.
Protein change: p.Arg130Cys; replaces arginine 130 with cysteine.
Molecular consequence: missense variant.
Genome position (GRCh38, 1-based): chr5:150,521,642, C>T. VCF-style: chr5-150521642-C-T. GRCh37 (hg19) VCF-style: chr5-149901204-C-T.
Other names: c.388C>T, p.Arg130Cys (NM_001301063.2); short protein forms R130C.
Identifiers: ClinVar variation 1027937 (VCV001027937.2), dbSNP rs746465319, ClinGen allele CA3512391.

ClinVar aggregate classification (germline): Uncertain significance. Review status: criteria provided, multiple submitters, no conflicts (2 of 4 stars). 2 submissions from 2 submitters: Uncertain significance (2). Last evaluated 2024-12-06.

Conditions:
Inborn genetic diseases. Identifiers: MedGen C0950123, MeSH D030342.
Intellectual developmental disorder, autosomal recessive 46. Also called: Intellectual disability, autosomal recessive 46. Identifiers: Orphanet 88616, MedGen C4015283, MONDO:0014499, OMIM 616116.

Allele frequency attached by ClinVar (database versions not stated): gnomAD 0.00001 and 0.00003; ExAC 0.00002; gnomAD exomes 0.00004 and 0.00002; TOPMed 0.00001.

Submissions (2):

Ambry Genetics
Classification: Uncertain significance for Inborn genetic diseases. Last evaluated: 2024-12-06. Review status: criteria provided, single submitter. Criteria: Ambry Variant Classification Scheme 2023. Collection method: clinical testing. Allele origin: germline.

Baylor Genetics
Classification: Uncertain significance for Intellectual developmental disorder, autosomal recessive 46. Last evaluated: 2019-01-21. Review status: criteria provided, single submitter. Criteria: ACMG Guidelines, 2015. Collection method: clinical testing. Allele origin: unknown. Affected: yes.
Comment: This variant was determined to be of uncertain significance according to ACMG Guidelines, 2015 [PMID:25741868].